The following is an entry in ClinVar:

NM_005422.4(TECTA):c.5383+1G>A

Genes: TBCEL-TECTA (TBCEL-TECTA readthrough; plus strand), TECTA (tectorin alpha; plus strand). Cytogenetic location: 11q23.3.
Variant type: single nucleotide variant.
Coding change: c.5383+1G>A on transcript NM_005422.4 (MANE Select); the canonical splice donor site of the intron after coding-DNA position 5383, G replaced by A.
Molecular consequence: splice donor variant.
Genome position (GRCh38, 1-based): chr11:121,165,384, G>A. VCF-style: chr11-121165384-G-A. GRCh37 (hg19) VCF-style: chr11-121036093-G-A.
Other names: c.6325+1G>A (NM_001378761.1).
Identifiers: ClinVar variation 2630099 (VCV002630099.1), dbSNP rs2496987091, ClinGen allele CA383033577.

ClinVar aggregate classification (germline): Likely pathogenic (1 of 4 stars; one submission).

Conditions:
TECTA-related disorder. Also called: TECTA-related condition.

Submission:

PreventionGenetics, part of Exact Sciences
Classification: Likely pathogenic for TECTA-related condition. Last evaluated: 2023-01-14. Review status: criteria provided, single submitter. Criteria: ACMG Guidelines, 2015. Collection method: clinical testing. Allele origin: germline.
Comment: The TECTA c.5383+1G>A variant is predicted to disrupt the GT donor site and interfere with normal splicing. To our knowledge, this variant has not been reported in the literature or in a large population database, indicating this variant is rare. Alternate variants that affect this same splice site (c.5383+2T>G and c.5383+5G>C) have been reported in individuals with autosomal dominant hearing loss (Hildebrand et al. 2011. PubMed ID: 21520338; Patient #379 in Table S3 of Sloan-Heggen et al. 2016. PubMed ID: 26969326). Variants that disrupt the consensus splice donor site in TECTA are expected to be pathogenic. Given the evidence, we interpret c.5383+1G>A as likely pathogenic.